The following is an entry in ClinVar:

NM_198253.3(TERT):c.2127C>G (p.Val709=)

Gene: TERT (telomerase reverse transcriptase; minus strand). Cytogenetic location: 5p15.33.
Variant type: single nucleotide variant.
Coding change: c.2127C>G on transcript NM_198253.3 (MANE Select); coding-DNA position 2127, C replaced by G.
Protein change: p.Val709=; no amino-acid change (valine 709 retained).
Molecular consequence: synonymous variant. On other transcripts: non-coding transcript variant (2).
Genome position (GRCh38, 1-based): chr5:1,279,294, G>C on the plus strand (C>G on the coding strand, the complement: TERT is on the minus strand). VCF-style: chr5-1279294-G-C. GRCh37 (hg19) VCF-style: chr5-1279409-G-C.
Other names: p.Val709=; c.2127C>G, p.Val709= (NM_001193376.3).
Identifiers: ClinVar variation 242224 (VCV000242224.47), dbSNP rs765264494, ClinGen allele CA3184667.

ClinVar aggregate classification (germline): Conflicting classifications of pathogenicity. Review status: criteria provided, conflicting classifications (1 of 4 stars). 9 submissions from 7 submitters: Uncertain significance (3); Likely benign (6). Last evaluated 2026-07-01.

Conditions:
Dyskeratosis congenita, autosomal dominant 2. Identifiers: MedGen C3151443, MONDO:0013521, OMIM 613989.
Idiopathic Pulmonary Fibrosis. Also called: Idiopathic fibrosing alveolitis, chronic form; idiopathic fibrosing alveolitis. Identifiers: Orphanet 2032, MedGen C1800706, MeSH D054990, MONDO:0800504.
Pulmonary fibrosis and/or bone marrow failure, Telomere-related, 1. Also called: PULMONARY FIBROSIS AND/OR BONE MARROW FAILURE SYNDROME, TELOMERE-RELATED, 1. Identifiers: Orphanet 88, MedGen C3553617, MONDO:0013878, OMIM 614742.
Dyskeratosis congenita. Identifiers: Orphanet 1775, MedGen C0265965, MONDO:0015780.
Aplastic anemia. Identifiers: Orphanet 182040, Orphanet 88, MedGen C0002874, MONDO:0015909, OMIM 609135, HP:0001915.

Allele frequency attached by ClinVar (database versions not stated): gnomAD 0.00007 and 0.00008; gnomAD exomes 0.00007; TOPMed 0.00007; ExAC 0.00008.
gnomAD v4.1: 241 of 1,579,880 alleles (0.015%); highest among the groups gnomAD compares: Non-Finnish European, 0.019%; no homozygotes.

Submissions (9):

CeGaT Center for Human Genetics Tuebingen
Classification: Likely benign. Last evaluated: 2026-07-01. Review status: criteria provided, single submitter. Criteria: CeGaT Center For Human Genetics Tuebingen Variant Classification Criteria Version 2. Collection method: clinical testing. Allele origin: germline. Affected: yes. Observed: 6 variant alleles.
Comment: TERT: BP4, BP7

Labcorp Genetics (formerly Invitae), Labcorp
Classification: Likely benign for Dyskeratosis congenita, autosomal dominant 2; Idiopathic Pulmonary Fibrosis. Last evaluated: 2026-01-18. Review status: criteria provided, single submitter. Criteria: Invitae Variant Classification Sherloc (09022015). Collection method: clinical testing. Allele origin: germline.

Mayo Clinic Laboratories, Mayo Clinic
Classification: Likely benign. Last evaluated: 2025-04-15. Review status: criteria provided, single submitter. Criteria: ACMG Guidelines, 2015. Collection method: clinical testing. Allele origin: germline. Observed: 1 variant allele.
Comment: BP4, BP7

Blueprint Genetics
Classification: Likely benign. Last evaluated: 2023-09-21. Review status: criteria provided, single submitter. Criteria: ACMG Guidelines, 2015. Collection method: clinical testing. Allele origin: germline.

Ambry Genetics
Classification: Likely benign for Dyskeratosis congenita. Last evaluated: 2022-02-12. Review status: criteria provided, single submitter. Criteria: Ambry Variant Classification Scheme 2023. Collection method: clinical testing. Allele origin: germline.

Illumina Laboratory Services, Illumina
Classification: Uncertain significance for Pulmonary fibrosis and/or bone marrow failure, Telomere-related, 1. Last evaluated: 2018-01-12. Review status: criteria provided, single submitter. Criteria: ICSL Variant Classification Criteria 13 December 2019. Collection method: clinical testing. Allele origin: germline.

Illumina Laboratory Services, Illumina
Classification: Uncertain significance for Dyskeratosis congenita, autosomal dominant 2. Last evaluated: 2018-01-12. Review status: criteria provided, single submitter. Criteria: ICSL Variant Classification Criteria 13 December 2019. Collection method: clinical testing. Allele origin: germline.

Illumina Laboratory Services, Illumina
Classification: Uncertain significance for Aplastic anemia. Last evaluated: 2018-01-12. Review status: criteria provided, single submitter. Criteria: ICSL Variant Classification Criteria 13 December 2019. Collection method: clinical testing. Allele origin: germline.

Genetic Services Laboratory, University of Chicago
Classification: Likely benign. Last evaluated: 2017-06-19. Review status: criteria provided, single submitter. Criteria: ACMG Guidelines, 2015. Collection method: clinical testing. Allele origin: germline. Affected: no.